The following is an entry in ClinVar:

NM_201596.3(CACNB2):c.133G>A (p.Gly45Arg)

Gene: CACNB2 (calcium voltage-gated channel auxiliary subunit beta 2; plus strand). Cytogenetic location: 10p12.33.
Variant type: single nucleotide variant.
Coding change: c.133G>A on transcript NM_201596.3 (MANE Select); coding-DNA position 133, G replaced by A.
Protein change: p.Gly45Arg; replaces glycine 45 with arginine.
Molecular consequence: missense variant.
Genome position (GRCh38, 1-based): chr10:18,150,895, G>A. VCF-style: chr10-18150895-G-A. GRCh37 (hg19) VCF-style: chr10-18439824-G-A.
Other names: p.G45R:GGA>AGA; c.49G>A, p.Gly17Arg (NM_001167945.2, NM_201571.4, NM_201572.4); c.133G>A, p.Gly45Arg (NM_201593.3, NM_201597.3); short protein forms G45R, G17R.
Identifiers: ClinVar variation 190722 (VCV000190722.5), dbSNP rs786205785, ClinGen allele CA301834.

ClinVar aggregate classification (germline): Uncertain significance (1 of 4 stars; one submission).

Submission:

GeneDx
Classification: Uncertain significance. Last evaluated: 2019-04-15. Review status: criteria provided, single submitter. Criteria: GeneDx Variant Classification Process June 2021. Collection method: clinical testing. Allele origin: germline. Affected: yes.
Comment: Not observed in large population cohorts (Lek et al., 2016); Has not been previously published as pathogenic or benign to our knowledge